The following is an entry in ClinVar:

ClinVar aggregate classification (germline): Conflicting classifications of pathogenicity. Review status: criteria provided, conflicting classifications (1 of 4 stars). 3 submissions from 3 submitters: Uncertain significance (1); Likely benign (2). Last evaluated 2026-08-07.

Conditions:
IMPG1-related disorder. Also called: IMPG1-related condition.

Allele frequency attached by ClinVar (database versions not stated): gnomAD 0.00010 and 0.00011; TOPMed 0.00015; ESP Exome Variant Server 0.00023; ExAC 0.00026.
gnomAD v4.1: 84 of 1,613,970 alleles (0.0052%); highest among the groups gnomAD compares: East Asian, 0.1%; no homozygotes.

Submissions (3):

PreventionGenetics, part of Exact Sciences
Classification: Likely benign for IMPG1-related condition. Last evaluated: 2026-08-07. Review status: criteria provided, single submitter. Criteria: ACMG Guidelines, 2015. Collection method: clinical testing. Allele origin: germline.
Comment: This variant is classified as likely benign based on ACMG/AMP sequence variant interpretation guidelines (Richards et al. 2015 PMID: 25741868, with internal and published modifications).

Labcorp Genetics (formerly Invitae), Labcorp
Classification: Likely benign. Last evaluated: 2025-02-26. Review status: criteria provided, single submitter. Criteria: Invitae Variant Classification Sherloc (09022015). Collection method: clinical testing. Allele origin: germline.

Blueprint Genetics
Classification: Uncertain significance. Last evaluated: 2024-01-18. Review status: criteria provided, single submitter. Criteria: ACMG Guidelines, 2015. Collection method: clinical testing. Allele origin: germline.

NM_001563.4(IMPG1):c.1046A>G (p.Tyr349Cys)

Gene: IMPG1 (interphotoreceptor matrix proteoglycan 1; minus strand). Cytogenetic location: 6q14.1.
Variant type: single nucleotide variant.
Coding change: c.1046A>G on transcript NM_001563.4 (MANE Select); coding-DNA position 1046, A replaced by G.
Protein change: p.Tyr349Cys; replaces tyrosine 349 with cysteine.
Molecular consequence: missense variant.
Genome position (GRCh38, 1-based): chr6:76,005,376, T>C on the plus strand (A>G on the coding strand, the complement: IMPG1 is on the minus strand). VCF-style: chr6-76005376-T-C. GRCh37 (hg19) VCF-style: chr6-76715093-T-C.
Other names: c.812A>G, p.Tyr271Cys (NM_001282368.2); c.1046A>G (NM_001563.3); short protein forms Y271C, Y349C.
Identifiers: ClinVar variation 1662886 (VCV001662886.10), dbSNP rs139816946, ClinGen allele CA3898240.